The following is an entry in ClinVar:

NM_001360.3(DHCR7):c.400_407del (p.Val134fs)

Gene: DHCR7 (7-dehydrocholesterol reductase; minus strand). Cytogenetic location: 11q13.4.
Variant type: Deletion.
Coding change: c.400_407del on transcript NM_001360.3 (MANE Select); coding-DNA positions 400 to 407, 8 bases deleted (GTGACTCC; older notation c.400_407delGTGACTCC).
Protein change: p.Val134fs; shifts the reading frame from valine 134.
Molecular consequence: frameshift variant.
Genome position (GRCh38, 1-based): chr11:71,442,268-71,442,275, GGAGTCAC deleted on the plus strand (GTGACTCC on the coding strand, the reverse complement: DHCR7 is on the minus strand); deleting any 8 consecutive bases within chr11:71,442,268-71,442,277 gives the same sequence; the c. name uses the placement nearest the transcript's 3' end. VCF-style (leftmost placement, unchanged base first): chr11-71442267-AGGAGTCAC-A. GRCh37 (hg19) VCF-style: chr11-71153313-AGGAGTCAC-A.
Other names: c.400_407del, p.Val134fs (NM_001163817.2, NM_001425107.1, NM_001425109.1 and 7 more transcripts); c.436_443del, p.Val146fs (NM_001425108.1); c.340_347del, p.Val114fs (NM_001425113.1); c.304_311del, p.Val102fs (NM_001425114.1, NM_001425116.1); c.226_233del, p.Val76fs (NM_001425117.1); short protein forms V102fs, V114fs, V134fs, V146fs, V76fs.
Identifiers: ClinVar variation 5011698 (VCV005011698.1).

ClinVar aggregate classification (germline): Pathogenic (1 of 4 stars; one submission).

Conditions:
Smith-Lemli-Opitz syndrome (SLOS). Also called: LETHAL ACRODYSGENITAL SYNDROME; POLYDACTYLY, SEX REVERSAL, RENAL HYPOPLASIA, AND UNILOBAR LUNG; RSH SYNDROME; RUTLEDGE LETHAL MULTIPLE CONGENITAL ANOMALY SYNDROME; 7-Dehydrocholesterol reductase deficiency. Identifiers: Orphanet 818, MedGen C0175694, MONDO:0010035, OMIM 270400.

Submission:

Myriad Genetics, Inc.
Classification: Pathogenic for Smith-Lemli-Opitz syndrome. Last evaluated: 2023-09-20. Review status: criteria provided, single submitter. Criteria: Myriad Autosomal Dominant, Autosomal Recessive and X-Linked Classification Criteria (2023). Collection method: clinical testing. Allele origin: unknown.
Comment: NM_001360.2(DHCR7):c.400_407del8(V134Cfs*90) is expected to be pathogenic in the context of Smith-Lemli-Opitz syndrome. This variant is predicted to lead to an abnormal or absent protein product due to the creation of a premature termination codon in DHCR7, a gene where loss-of-function variants are known to be pathogenic. Please note: this variant was assessed in the context of healthy population screening.